The following is an entry in ClinVar:

ClinVar aggregate classification (germline): Conflicting classifications of pathogenicity. Review status: criteria provided, conflicting classifications (1 of 4 stars). 11 submissions from 11 submitters: Uncertain significance (8); Likely benign (2). 1 of the submissions does not count toward it. Last evaluated 2025-10-27.

Conditions:
Hereditary cancer-predisposing syndrome. Also called: Tumor predisposition; Neoplastic Syndromes, Hereditary; Hereditary Cancer Syndrome; Hereditary neoplastic syndrome. Identifiers: Orphanet 140162, MedGen C0027672, MeSH D009386, MONDO:0015356.
Familial cancer of breast. Also called: hereditary breast carcinoma; BREAST CANCER, FAMILIAL; Hereditary breast cancer. Identifiers: Orphanet 227535, MedGen C0346153, MONDO:0016419, OMIM 114480. Disease mechanism: loss of function.

Allele frequency attached by ClinVar (database versions not stated): gnomAD 0.00003; gnomAD exomes 0.00003 and below 0.00001; ExAC 0.00001; TOPMed 0.00001.
gnomAD v4.1: 41 of 1,613,974 alleles (0.0025%); highest among the groups gnomAD compares: Non-Finnish European, 0.0034%; no homozygotes.

Submissions (11):

Institute for Biomarker Research, Medical Diagnostic Laboratories, L.L.C.
Classification: Uncertain significance for Hereditary cancer-predisposing syndrome. Last evaluated: 2025-10-27. Review status: criteria provided, single submitter. Criteria: ACMG Guidelines, 2015. Collection method: clinical testing. Allele origin: germline.
Comment: The missense variant NM_024675.4(PALB2):c.2106A>G (p.Ile702Met) has not been reported previously as a pathogenic variant, to our knowledge (Accession: VCV000182764.59). There is a small physicochemical difference between isoleucine and methionine, which is not likely to impact secondary protein structure as these residues share similar properties. The p.Ile702Met variant is not predicted to introduce a novel splice site by any splice site algorithm. The p.Ile702Met missense variant is predicted to be tolerated by both SIFT or PolyPhen2. The methionine residue at codon 702 of PALB2 is present in Bushbaby and 11 other mammalian species. The nucleotide c.2106 in PALB2 is not conserved according to a GERP++ and PhyloP analysis of 100 vertebrates. For these reasons, this variant has been classified as Uncertain Significance.

Ambry Genetics
Classification: Likely benign for Hereditary cancer-predisposing syndrome. Last evaluated: 2025-04-11. Review status: criteria provided, single submitter. Criteria: Ambry Variant Classification Scheme 2023. Collection method: clinical testing. Allele origin: germline.

Labcorp Genetics (formerly Invitae), Labcorp
Classification: Uncertain significance for Familial cancer of breast. Last evaluated: 2024-12-12. Review status: criteria provided, single submitter. Criteria: Invitae Variant Classification Sherloc (09022015). Collection method: clinical testing. Allele origin: germline.
Comment: This sequence change replaces isoleucine, which is neutral and non-polar, with methionine, which is neutral and non-polar, at codon 702 of the PALB2 protein (p.Ile702Met). This variant is present in population databases (rs730881886, gnomAD 0.002%). This missense change has been observed in individual(s) with head and neck squamous cell carcinoma and breast or ovarian cancer (PMID: 26283626, 26689913, 28821472). ClinVar contains an entry for this variant (Variation ID: 182764). Invitae Evidence Modeling of protein sequence and biophysical properties (such as structural, functional, and spatial information, amino acid conservation, physicochemical variation, residue mobility, and thermodynamic stability) indicates that this missense variant is not expected to disrupt PALB2 protein function with a negative predictive value of 80%. In summary, the available evidence is currently insufficient to determine the role of this variant in disease. Therefore, it has been classified as a Variant of Uncertain Significance.

Color Diagnostics, LLC DBA Color Health
Classification: Uncertain significance for Hereditary cancer-predisposing syndrome. Last evaluated: 2024-06-04. Review status: criteria provided, single submitter. Criteria: ACMG Guidelines, 2015. Collection method: clinical testing. Allele origin: germline.
Comment: This missense variant replaces isoleucine with methionine at codon 702 of the PALB2 protein. Computational prediction suggests that this variant may not impact protein structure and function. To our knowledge, functional studies have not been reported for this variant. This variant has been reported in individuals affected with breast cancer, head-neck squamous cell carcinoma and colorectal cancer (PMID: 26283626, 26689913, 28779002, 29522266, 33309985) and in a breast cancer case-control meta-analysis in 2/60466 cases and 2/53461 unaffected individuals (PMID: 33471991; Leiden Open Variation Database DB-ID PALB2_010937). This variant has been identified in 3/282882 chromosomes in the general population by the Genome Aggregation Database (gnomAD). The available evidence is insufficient to determine the role of this variant in disease conclusively. Therefore, this variant is classified as a Variant of Uncertain Significance.

GeneDx
Classification: Uncertain significance. Last evaluated: 2024-05-10. Review status: criteria provided, single submitter. Criteria: GeneDx Variant Classification Process June 2021. Collection method: clinical testing. Allele origin: germline. Affected: yes.
Comment: Not observed at significant frequency in large population cohorts (gnomAD); In silico analysis indicates that this missense variant does not alter protein structure/function; Observed in individuals with a personal or family history including breast and other cancers, as well as in unaffected control groups (PMID: 35610400, 26283626, 26689913, 28821472, 29522266, 33309985, 33471991); This variant is associated with the following publications: (PMID: 26283626, 26689913, 29522266, 22941656, 33471991, 28821472, 28779002, 33309985, 35610400)

Quest Diagnostics Nichols Institute San Juan Capistrano
Classification: Uncertain significance. Last evaluated: 2024-04-29. Review status: criteria provided, single submitter. Criteria: Quest Diagnostics criteria. Collection method: clinical testing. Allele origin: unknown.
Comment: The PALB2 c.2106A>G (p.Ile702Met) variant has been reported in the published literature in individuals with breast cancer (PMIDs: 26283626 (2015), 28779002 (2017), 28821472 (2017), 29522266 (2018), 35610400 (2022)), as well as in breast cancer cases and reportedly healthy individuals in a large scale breast cancer association study (PMID: 33471991 (2021), see also LOVD). This variant has also been reported in colorectal cancer (PMID: 33309985 (2020)), as well as in head and neck squamous cell carcinoma (PMID: 26689913 (2015)). The frequency of this variant in the general population, 0.000023 (3/129188 chromosomes (Genome Aggregation Database)), is uninformative in the assessment of its pathogenicity. Analysis of this variant using bioinformatics tools for the prediction of the effect of amino acid changes on protein structure and function yielded predictions that this variant is benign. Based on the available information, we are unable to determine the clinical significance of this variant.

Myriad Genetics, Inc.
Classification: Likely benign for Familial cancer of breast. Last evaluated: 2023-03-10. Review status: criteria provided, single submitter. Criteria: Myriad Autosomal Dominant, Autosomal Recessive and X-Linked Classification Criteria (2023). Collection method: clinical testing. Allele origin: unknown.
Comment: This variant is considered likely benign. This variant is strongly associated with less severe personal and family histories of cancer, typical for individuals without pathogenic variants in this gene [PMID: 25085752].

Sema4
Classification: Uncertain significance for Hereditary cancer-predisposing syndrome. Last evaluated: 2022-03-17. Review status: criteria provided, single submitter. Criteria: Sema4 Curation Guidelines. Collection method: curation. Allele origin: germline.
Comment: The PALB2 c.2106A>G (p.I702M) variant has been reported in heterozygosity in at least 6 individuals with breast, colorectal and head and neck squamous cell carcinoma (PMID: 26283626, 26689913, 28779002, 28821472, 29522266, 33309985). It has been reported in a large case-control study of breast cancer in 2/60466 cases and 2/53461 controls (PMID: 33471991). This variant was observed in 3/129188 chromosomes in the Non-Finnish European population according to the Genome Aggregation Database (PMID: 32461654). This variant has been reported in ClinVar (Variation ID: 182764). Functional studies have not been performed, and in silico predictions of the variant's effect on protein function are inconclusive. The evidence is insufficient to meet ACMG/AMP criteria for classifying the variant as benign or pathogenic. Thus, the clinical significance of this variant is currently uncertain.

CeGaT Center for Human Genetics Tuebingen
Classification: Uncertain significance. Last evaluated: 2022-01-01. Review status: criteria provided, single submitter. Criteria: CeGaT Center For Human Genetics Tuebingen Variant Classification Criteria Version 2. Collection method: clinical testing. Allele origin: germline. Affected: yes. Observed: 1 variant allele.

Cancer Genetics Laboratory, Peter MacCallum Cancer Centre
Classification: Uncertain significance for Familial cancer of breast. Last evaluated: 2015-06-01. Review status: criteria provided, single submitter. Criteria: Thompson et al. (Breast Cancer Res. 2015). Collection method: case-control. Allele origin: germline. Affected: yes. Observed: 1 variant allele, 1 heterozygote.

Counsyl
Classification: Uncertain significance for Familial cancer of breast. Last evaluated: 2016-08-11. Review status: no assertion criteria provided. Collection method: clinical testing. Allele origin: unknown. Not counted in ClinVar's aggregate classification.

Literature cited by the submitters: PubMed 26283626 (cited by 6 submitters); PubMed 28779002 (cited by 4 submitters); PubMed 29522266 (cited by 4 submitters); PubMed 33309985 (cited by 4 submitters); PubMed 26689913 (cited by 5 submitters); PubMed 28821472 (cited by 3 submitters); PubMed 33471991 (cited by 3 submitters); PubMed 35610400 (cited by Quest Diagnostics Nichols Institute San Juan Capistrano); PubMed 25085752 (cited by Myriad Genetics, Inc.).

NM_024675.4(PALB2):c.2106A>G (p.Ile702Met)

Gene: PALB2 (partner and localizer of BRCA2; minus strand). Cytogenetic location: 16p12.2.
Variant type: single nucleotide variant.
Coding change: c.2106A>G on transcript NM_024675.4 (MANE Select); coding-DNA position 2106, A replaced by G.
Protein change: p.Ile702Met; replaces isoleucine 702 with methionine.
Molecular consequence: missense variant.
Genome position (GRCh38, 1-based): chr16:23,630,048, T>C on the plus strand (A>G on the coding strand, the complement: PALB2 is on the minus strand). VCF-style: chr16-23630048-T-C. GRCh37 (hg19) VCF-style: chr16-23641369-T-C.
Other names: p.I702M:ATA>ATG; short protein forms I702M.
Identifiers: ClinVar variation 182764 (VCV000182764.66), dbSNP rs730881886, ClinGen allele CA299719.